The following is an entry in ClinVar:

ClinVar aggregate classification (germline): Uncertain significance (1 of 4 stars; one submission).

Submission:

GeneDx
Classification: Uncertain significance. Last evaluated: 2022-12-13. Review status: criteria provided, single submitter. Criteria: GeneDx Variant Classification Process June 2021. Collection method: clinical testing. Allele origin: germline. Affected: yes.
Comment: Frameshift variant predicted to result in protein truncation or nonsense mediated decay in a gene or region of a gene for which loss of function is not a well-established mechanism of disease; Not observed at significant frequency in large population cohorts (gnomAD); Has not been previously published as pathogenic or benign to our knowledge

NM_001080421.3(UNC13A):c.1209del (p.Lys404fs)

Gene: UNC13A (unc-13 homolog A; minus strand). Cytogenetic location: 19p13.11.
Variant type: Deletion.
Coding change: c.1209del on transcript NM_001080421.3 (MANE Select); coding-DNA position 1209, one base deleted (C; older notation c.1209delC).
Protein change: p.Lys404fs; shifts the reading frame from lysine 404.
Molecular consequence: frameshift variant.
Genome position (GRCh38, 1-based): chr19:17,655,957, G deleted on the plus strand (C on the coding strand, the reverse complement: UNC13A is on the minus strand); the first of 5 consecutive G bases (chr19:17,655,957-17,655,961); deleting any one gives the same sequence. VCF-style (leftmost placement, unchanged base first): chr19-17655956-TG-T. GRCh37 (hg19) VCF-style: chr19-17766765-TG-T.
Other names: c.1209del, p.Lys404fs (NM_001387021.1, NM_001387022.1, NM_001387023.1); short protein forms K404fs.
Identifiers: ClinVar variation 2505943 (VCV002505943.1), dbSNP rs2513100496, ClinGen allele CA2580613085.
Genomic context (GRCh38, chr19:17,655,956, plus strand): 5'-TGGGTGGCTCAGCCTCAGGGATCTGCTCAGCTGCAGGCACCTTGTCGGGCGTGGCTGGCT[TG>T]GGGGCCACCTTGGCCATGTCGGGGGCCTCGGTGGGTGCCACTGGGGCCTTGTCCTCCTTC-3'